The following is an entry in ClinVar:

NM_022455.5(NSD1):c.7823C>T (p.Ala2608Val)

Gene: NSD1 (nuclear receptor binding SET domain protein 1; plus strand). Cytogenetic location: 5q35.3.
Variant type: single nucleotide variant.
Coding change: c.7823C>T on transcript NM_022455.5 (MANE Select); coding-DNA position 7823, C replaced by T.
Protein change: p.Ala2608Val; replaces alanine 2608 with valine.
Molecular consequence: missense variant.
Genome position (GRCh38, 1-based): chr5:177,295,191, C>T. VCF-style: chr5-177295191-C-T. GRCh37 (hg19) VCF-style: chr5-176722192-C-T.
Other names: c.6950C>T, p.Ala2317Val (NM_001365684.2, NM_001409308.1, NM_172349.5); c.7823C>T, p.Ala2608Val (NM_001409301.1, NM_001409302.1, NM_001409303.1); c.7403C>T, p.Ala2468Val (NM_001409304.1); c.7070C>T, p.Ala2357Val (NM_001409305.1); c.7061C>T, p.Ala2354Val (NM_001409306.1, NM_001409307.1); c.6701C>T, p.Ala2234Val (NM_001409309.1); short protein forms A2234V, A2608V, A2468V, A2317V, A2354V, A2357V.
Identifiers: ClinVar variation 3665935 (VCV003665935.2).
Genomic context (GRCh38, chr5:177,295,191, plus strand): 5'-AACTACCTGCACTTGCCGCCAAGAGTGGGCAATCTTTTAGGTCTCTCGGGAAGGCCCCAG[C>T]CTCCCTCCCCACTGAAGAAAAGAAGTTGGTAACCACAGAGCAAAGTCCCTGGGCCCTGGG-3'
Protein context (NP_071900.2, residues 2598-2618): QSFRSLGKAP[Ala2608Val]SLPTEEKKLV

ClinVar aggregate classification (germline): Uncertain significance (1 of 4 stars; one submission).

gnomAD v4.1: 1 of 1,614,106 alleles (0.000062%); highest among the groups gnomAD compares: Admixed American, 0.0017%; no homozygotes.

Submission:

Labcorp Genetics (formerly Invitae), Labcorp
Classification: Uncertain significance. Last evaluated: 2023-12-21. Review status: criteria provided, single submitter. Criteria: Invitae Variant Classification Sherloc (09022015). Collection method: clinical testing. Allele origin: germline.
Comment: This sequence change replaces alanine, which is neutral and non-polar, with valine, which is neutral and non-polar, at codon 2608 of the NSD1 protein (p.Ala2608Val). This variant is not present in population databases (gnomAD no frequency). This variant has not been reported in the literature in individuals affected with NSD1-related conditions. Advanced modeling of protein sequence and biophysical properties (such as structural, functional, and spatial information, amino acid conservation, physicochemical variation, residue mobility, and thermodynamic stability) performed at Invitae indicates that this missense variant is not expected to disrupt NSD1 protein function with a negative predictive value of 95%. In summary, the available evidence is currently insufficient to determine the role of this variant in disease. Therefore, it has been classified as a Variant of Uncertain Significance.